The following is an entry in ClinVar:

ClinVar aggregate classification (germline): Benign. Review status: criteria provided, multiple submitters, no conflicts (2 of 4 stars). 2 submissions from 2 submitters: Benign (2). Last evaluated 2016-03-28.

Allele frequency attached by ClinVar (database versions not stated): TOPMed 0.96858; gnomAD 0.96990 and 0.97191; 1000 Genomes Project 30x 0.97299.

Submissions (2):

Laboratory for Molecular Medicine, Mass General Brigham Personalized Medicine
Classification: Benign. Last evaluated: 2016-03-28. Review status: criteria provided, single submitter. Criteria: LMM Criteria. Collection method: clinical testing. Allele origin: germline.
Comment: Variant identified in a genome or exome case(s) and assessed due to predicted null impact of the variant or pathogenic assertions in the literature or databases. Disclaimer: This variant has not undergone full assessment. The following are preliminary notes: Frequency

Breakthrough Genomics
Classification: Benign. Review status: criteria provided, single submitter. Criteria: ACMG Guidelines, 2015. Collection method: not provided. Allele origin: germline. Inheritance: Unknown mechanism. Affected: yes.

NM_000773.4(CYP2E1):c.963= (p.Ile321=)

Gene: CYP2E1 (cytochrome P450 family 2 subfamily E member 1; plus strand). Cytogenetic location: 10q26.3.
Variant type: single nucleotide variant.
Coding change: c.963= on transcript NM_000773.4 (MANE Select); coding-DNA position 963, no change from the reference sequence.
Protein change: p.Ile321=; no amino-acid change (isoleucine 321 retained).
Molecular consequence: no sequence alteration.
Genome position: GRCh38 VCF-style: chr10-133533893-C-C. GRCh37 (hg19) VCF-style: chr10-135347397-T-C.
Identifiers: ClinVar variation 402581 (VCV000402581.5), dbSNP rs915909.